The following is an entry in ClinVar:

NM_004333.6(BRAF):c.907G>C (p.Glu303Gln)

Gene: BRAF (B-Raf proto-oncogene, serine/threonine kinase; minus strand). Cytogenetic location: 7q34.
Variant type: single nucleotide variant.
Coding change: c.907G>C on transcript NM_004333.6 (MANE Select); coding-DNA position 907, G replaced by C.
Protein change: p.Glu303Gln; replaces glutamic acid 303 with glutamine.
Molecular consequence: missense variant.
Genome position (GRCh38, 1-based): chr7:140,800,435, C>G on the plus strand (G>C on the coding strand, the complement: BRAF is on the minus strand). VCF-style: chr7-140800435-C-G. GRCh37 (hg19) VCF-style: chr7-140500235-C-G.
Other names: c.907G>C, p.Glu303Gln (NM_001354609.2, NM_001374244.1, NM_001374258.1 and 4 more transcripts); c.916G>C, p.Glu306Gln (NM_001378467.1); c.805G>C, p.Glu269Gln (NM_001378470.1); c.751G>C, p.Glu251Gln (NM_001378472.1, NM_001378473.1); c.643G>C, p.Glu215Gln (NM_001378475.1); short protein forms E251Q, E306Q, E303Q, E215Q, E269Q.
Identifiers: ClinVar variation 1514149 (VCV001514149.6), dbSNP rs2129043697, ClinGen allele CA369590450.

ClinVar aggregate classification (germline): Uncertain significance (1 of 4 stars; one submission).

Conditions:
RASopathy. Also called: Noonan spectrum disorder; rasopathies. Identifiers: Orphanet 536391, MedGen C5555857, MONDO:0021060.

Submission:

Labcorp Genetics (formerly Invitae), Labcorp
Classification: Uncertain significance for RASopathy. Last evaluated: 2022-09-19. Review status: criteria provided, single submitter. Criteria: Invitae Variant Classification Sherloc (09022015). Collection method: clinical testing. Allele origin: germline.
Comment: Advanced modeling of protein sequence and biophysical properties (such as structural, functional, and spatial information, amino acid conservation, physicochemical variation, residue mobility, and thermodynamic stability) has been performed at Invitae for this missense variant, however the output from this modeling did not meet the statistical confidence thresholds required to predict the impact of this variant on BRAF protein function. ClinVar contains an entry for this variant (Variation ID: 1514149). This variant has not been reported in the literature in individuals affected with BRAF-related conditions. This variant is not present in population databases (gnomAD no frequency). This sequence change replaces glutamic acid, which is acidic and polar, with glutamine, which is neutral and polar, at codon 303 of the BRAF protein (p.Glu303Gln). In summary, the available evidence is currently insufficient to determine the role of this variant in disease. Therefore, it has been classified as a Variant of Uncertain Significance.